The following is an entry in ClinVar:

ClinVar aggregate classification (germline): Uncertain significance. Review status: criteria provided, multiple submitters, no conflicts (2 of 4 stars). 8 submissions from 8 submitters: Uncertain significance (7). 1 of the submissions does not count toward it. Last evaluated 2025-07-18.

Conditions:
ATP6V1B1-related disorder. Also called: ATP6V1B1-related condition.
Inborn genetic diseases. Identifiers: MedGen C0950123, MeSH D030342.
Renal tubular acidosis with progressive nerve deafness. Also called: Distal Renal Tubular Acidosis with Progressive Sensorineural Deafness; renal tubular acidosis, distal, 2, with progressive sensorineural hearing loss; RENAL TUBULAR ACIDOSIS, AUTOSOMAL RECESSIVE, WITH PROGRESSIVE NERVE DEAFNESS; RTA WITH PROGRESSIVE NERVE DEAFNESS. Identifiers: MedGen C0403554, MONDO:0009968, OMIM 267300.

Allele frequency attached by ClinVar (database versions not stated): ESP Exome Variant Server 0.00008; TOPMed 0.00009; gnomAD exomes 0.00011 and 0.00016; gnomAD 0.00013 and 0.00014; ExAC 0.00014.
gnomAD v4.1: 258 of 1,613,930 alleles (0.016%); highest among the groups gnomAD compares: Non-Finnish European, 0.02%; no homozygotes.

Submissions (8):

PreventionGenetics, part of Exact Sciences
Classification: Uncertain significance for ATP6V1B1-related condition. Last evaluated: 2025-07-18. Review status: criteria provided, single submitter. Criteria: ACMG Guidelines, 2015. Collection method: clinical testing. Allele origin: germline.
Comment: The ATP6V1B1 c.1382C>T variant is predicted to result in the amino acid substitution p.Pro461Leu. To our knowledge, this variant has not been reported in the literature. This variant is reported in 0.023% of alleles in individuals of European (Non-Finnish) descent in gnomAD. At this time, the clinical significance of this variant is uncertain due to the absence of conclusive functional and genetic evidence.

Blueprint Genetics
Classification: Uncertain significance. Last evaluated: 2024-10-03. Review status: criteria provided, single submitter. Criteria: ACMG Guidelines, 2015. Collection method: clinical testing. Allele origin: germline.

Labcorp Genetics (formerly Invitae), Labcorp
Classification: Uncertain significance. Last evaluated: 2022-10-25. Review status: criteria provided, single submitter. Criteria: Invitae Variant Classification Sherloc (09022015). Collection method: clinical testing. Allele origin: germline.
Comment: This sequence change replaces proline, which is neutral and non-polar, with leucine, which is neutral and non-polar, at codon 461 of the ATP6V1B1 protein (p.Pro461Leu). This variant is present in population databases (rs371863168, gnomAD 0.02%). This variant has not been reported in the literature in individuals affected with ATP6V1B1-related conditions. ClinVar contains an entry for this variant (Variation ID: 228445). Advanced modeling of protein sequence and biophysical properties (such as structural, functional, and spatial information, amino acid conservation, physicochemical variation, residue mobility, and thermodynamic stability) performed at Invitae indicates that this missense variant is not expected to disrupt ATP6V1B1 protein function. In summary, the available evidence is currently insufficient to determine the role of this variant in disease. Therefore, it has been classified as a Variant of Uncertain Significance.

Fulgent Genetics
Classification: Uncertain significance for Renal tubular acidosis with progressive nerve deafness. Last evaluated: 2022-05-05. Review status: criteria provided, single submitter. Criteria: ACMG Guidelines, 2015. Collection method: clinical testing. Allele origin: unknown.

Illumina Laboratory Services, Illumina
Classification: Uncertain significance for Renal tubular acidosis with progressive nerve deafness. Last evaluated: 2018-01-13. Review status: criteria provided, single submitter. Criteria: ICSL Variant Classification Criteria 13 December 2019. Collection method: clinical testing. Allele origin: germline.

Laboratory for Molecular Medicine, Mass General Brigham Personalized Medicine
Classification: Uncertain significance. Last evaluated: 2015-03-05. Review status: criteria provided, single submitter. Criteria: LMM Criteria. Collection method: clinical testing. Allele origin: germline. Observed: 1 variant allele.
Comment: The p.Pro461Leu variant in ATP6V1B1 has not been previously reported in individu als with hearing loss. This variant has been identified in 16/66302 of European chromosomes by the Exome Aggregation Consortium (ExAC; dbSNP rs371863168). Computational prediction tools and conservation anal yses suggest that the p.Pro461Leu variant may not impact the protein, though thi s information is not predictive enough to rule out pathogenicity. In summary, th e clinical significance of the p.Pro461Leu variant is uncertain.

Ambry Genetics
Classification: Uncertain significance for Inborn genetic diseases. Last evaluated: 2014-10-09. Review status: criteria provided, single submitter. Criteria: Ambry Variant Classification Scheme 2023. Collection method: clinical testing. Allele origin: germline.

Natera, Inc.
Classification: Uncertain significance for Renal tubular acidosis with progressive nerve deafness. Last evaluated: 2019-11-11. Review status: no assertion criteria provided. Collection method: clinical testing. Allele origin: germline. Not counted in ClinVar's aggregate classification.

NM_001692.4(ATP6V1B1):c.1382C>T (p.Pro461Leu)

Gene: ATP6V1B1 (ATPase H+ transporting V1 subunit B1; plus strand). Cytogenetic location: 2p13.3.
Variant type: single nucleotide variant.
Coding change: c.1382C>T on transcript NM_001692.4 (MANE Select); coding-DNA position 1382, C replaced by T.
Protein change: p.Pro461Leu; replaces proline 461 with leucine.
Molecular consequence: missense variant.
Genome position (GRCh38, 1-based): chr2:70,964,961, C>T. VCF-style: chr2-70964961-C-T. GRCh37 (hg19) VCF-style: chr2-71192091-C-T.
Other names: short protein forms P461L.
Identifiers: ClinVar variation 228445 (VCV000228445.16), dbSNP rs371863168, ClinGen allele CA1701354.